The following is an entry in ClinVar:

NM_053025.4(MYLK):c.901C>T (p.Gln301Ter)

Gene: MYLK (myosin light chain kinase; minus strand). Cytogenetic location: 3q21.1.
Variant type: single nucleotide variant.
Coding change: c.901C>T on transcript NM_053025.4 (MANE Select); coding-DNA position 901, C replaced by T.
Protein change: p.Gln301Ter; replaces glutamine 301 with a stop codon.
Molecular consequence: nonsense.
Genome position (GRCh38, 1-based): chr3:123,734,095, G>A on the plus strand (C>T on the coding strand, the complement: MYLK is on the minus strand). VCF-style: chr3-123734095-G-A. GRCh37 (hg19) VCF-style: chr3-123452942-G-A.
Other names: c.373C>T, p.Gln125Ter (NM_001321309.2); c.901C>T, p.Gln301Ter (NM_053026.4, NM_053027.4, NM_053028.4); short protein forms Q301*, Q125*.
Identifiers: ClinVar variation 409684 (VCV000409684.10), dbSNP rs545515041, ClinGen allele CA073736.

ClinVar aggregate classification (germline): Conflicting classifications of pathogenicity. Review status: criteria provided, conflicting classifications (1 of 4 stars). 3 submissions from 3 submitters: Likely pathogenic (1); Uncertain significance (2). Last evaluated 2023-11-27.

Conditions:
Aortic aneurysm, familial thoracic 7 (AAT7). Also called: AORTIC DISSECTION, FAMILIAL, WITH OR WITHOUT AORTIC ANEURYSM. Identifiers: MedGen C3151077, MONDO:0013418, OMIM 613780.
Familial thoracic aortic aneurysm and aortic dissection (TAAD). Also called: Thoracic aortic aneurysms and dissections. Identifiers: Orphanet 91387, MedGen C4707243, MONDO:0019625.

Allele frequency attached by ClinVar (database versions not stated): gnomAD exomes 0.00001; ExAC 0.00002; 1000 Genomes Project 0.00020; 1000 Genomes Project 30x 0.00031.
gnomAD v4.1: 2 of 1,610,424 alleles (0.00012%); highest among the groups gnomAD compares: Non-Finnish European, 0.00017%; no homozygotes.

Submissions (3):

Labcorp Genetics (formerly Invitae), Labcorp
Classification: Uncertain significance for Aortic aneurysm, familial thoracic 7. Last evaluated: 2023-11-27. Review status: criteria provided, single submitter. Criteria: Invitae Variant Classification Sherloc (09022015). Collection method: clinical testing. Allele origin: germline.
Comment: This sequence change creates a premature translational stop signal (p.Gln301*) in the MYLK gene. While this is not anticipated to result in nonsense mediated decay, it is expected to disrupt the last 1614 amino acid(s) of the MYLK protein. This variant is present in population databases (rs545515041, gnomAD 0.002%). This variant has not been reported in the literature in individuals affected with MYLK-related conditions. ClinVar contains an entry for this variant (Variation ID: 409684). In summary, the available evidence is currently insufficient to determine the role of this variant in disease. Therefore, it has been classified as a Variant of Uncertain Significance.

Equipe Genetique des Anomalies du Developpement, Université de Bourgogne
Classification: Likely pathogenic for Aortic aneurysm, familial thoracic 7. Last evaluated: 2023-03-27. Review status: criteria provided, single submitter. Criteria: ACMG Guidelines, 2015. Collection method: clinical testing. Allele origin: unknown. Affected: yes.

Ambry Genetics
Classification: Uncertain significance for Familial thoracic aortic aneurysm and aortic dissection. Last evaluated: 2021-09-17. Review status: criteria provided, single submitter. Criteria: Ambry Variant Classification Scheme 2023. Collection method: clinical testing. Allele origin: germline.
Comment: The p.Q301* variant (also known as c.901C>T), located in coding exon 7 of the MYLK gene, results from a C to T substitution at nucleotide position 901. This changes the amino acid from a glutamine to a stop codon within coding exon 7. This alteration is expected to result in premature protein truncation or nonsense-mediated mRNA decay. However, loss of function of MYLK has not been clearly established as a mechanism of disease. Since supporting evidence is limited at this time, the clinical significance of this alteration remains unclear.